The following is an entry in ClinVar:

ClinVar aggregate classification (germline): Conflicting classifications of pathogenicity. Review status: criteria provided, conflicting classifications (1 of 4 stars). 3 submissions from 3 submitters: Uncertain significance (2); Benign (1). Last evaluated 2026-05-11.

Conditions:
Multiple endocrine neoplasia type 2A. Also called: Multiple Endocrine Neoplasia Type 2A (MEN2A); MULTIPLE ENDOCRINE NEOPLASIA, TYPE IIA; PTC SYNDROME; SIPPLE SYNDROME; MEN 2A; MEN-2A syndrome. Identifiers: Orphanet 247698, Orphanet 653, MedGen C0025268, MeSH D018813, MONDO:0008234, OMIM 171400.
RET-related disorder. Also called: RET-related condition; RET-related disease; RET-related disorders.
Hereditary cancer-predisposing syndrome. Also called: Tumor predisposition; Neoplastic Syndromes, Hereditary; Hereditary Cancer Syndrome; Hereditary neoplastic syndrome. Identifiers: Orphanet 140162, MedGen C0027672, MeSH D009386, MONDO:0015356.

gnomAD v4.1: 5 of 1,606,476 alleles (0.00031%); highest among the groups gnomAD compares: South Asian, 0.0022%; no homozygotes.

Submissions (3):

PreventionGenetics, part of Exact Sciences
Classification: Uncertain significance for RET-related condition. Last evaluated: 2026-05-11. Review status: criteria provided, single submitter. Criteria: ACMG Guidelines, 2015. Collection method: clinical testing. Allele origin: germline.
Comment: The RET c.1761G>A variant is not predicted to result in an amino acid change (p.=). This variant is predicted to alter splicing based on available splicing prediction programs (SpliceAI, Jaganathan et al. 2019. PubMed ID: 30661751). However, the use of computer prediction programs is not equivalent to functional evidence. To our knowledge, this variant has not been reported in the literature. This variant is reported in 0.0034% of alleles in individuals of South Asian descent in gnomAD. At this time, the clinical significance of this variant is uncertain due to the absence of conclusive functional and genetic evidence.

Myriad Genetics, Inc.
Classification: Benign for Multiple endocrine neoplasia type 2A. Last evaluated: 2025-02-26. Review status: criteria provided, single submitter. Criteria: Myriad Autosomal Dominant, Autosomal Recessive and X-Linked Classification Criteria (2023). Collection method: clinical testing. Allele origin: unknown.
Comment: This variant is considered benign. This variant is a silent/synonymous amino acid change and it is not expected to impact splicing.

Ambry Genetics
Classification: Uncertain significance for Hereditary cancer-predisposing syndrome. Last evaluated: 2024-07-09. Review status: criteria provided, single submitter. Criteria: Ambry Variant Classification Scheme 2023. Collection method: clinical testing. Allele origin: germline.
Comment: The c.1761G>A variant (also known as p.R587R), located in coding exon 10 of the RET gene, results from a G to A substitution at nucleotide position 1761. This nucleotide substitution does not change the arginine at codon 587. This nucleotide position is not well conserved in available vertebrate species. In silico splice site analysis predicts that this alteration may result in the creation or strengthening of a novel splice acceptor site.

NM_020975.6(RET):c.1761G>A (p.Arg587=)

Gene: RET (ret proto-oncogene; plus strand). Cytogenetic location: 10q11.21.
Variant type: single nucleotide variant.
Coding change: c.1761G>A on transcript NM_020975.6 (MANE Select); coding-DNA position 1761, G replaced by A.
Protein change: p.Arg587=; no amino-acid change (arginine 587 retained).
Molecular consequence: synonymous variant. On other transcripts: intron variant (2).
Genome position (GRCh38, 1-based): chr10:43,113,557, G>A. VCF-style: chr10-43113557-G-A. GRCh37 (hg19) VCF-style: chr10-43609005-G-A.
Other names: c.312G>A, p.Arg104= (NM_001406794.1, NM_001406792.1, NM_001406793.1); c.1761G>A, p.Arg587= (NM_020630.7, NM_001406743.1, NM_001406744.1 and 4 more transcripts); c.862+594G>A (NM_001406785.1); c.574+594G>A (NM_001406791.1); c.999G>A, p.Arg333= (NM_001355216.2); c.1632G>A, p.Arg544= (NM_001406761.1, NM_001406762.1, NM_001406764.1 and 1 more transcripts); c.1473G>A, p.Arg491= (NM_001406766.1, NM_001406767.1, NM_001406770.1); c.1365G>A, p.Arg455= (NM_001406769.1, NM_001406772.1); and 7 more.
Identifiers: ClinVar variation 3432225 (VCV003432225.3).